The following is an entry in ClinVar:

NM_033067.3(DMRTB1):c.694C>T (p.Pro232Ser)

Gene: DMRTB1 (DMRT like family B with proline rich C-terminal 1; plus strand). Cytogenetic location: 1p32.3.
Variant type: single nucleotide variant.
Coding change: c.694C>T on transcript NM_033067.3 (MANE Select); coding-DNA position 694, C replaced by T.
Protein change: p.Pro232Ser; replaces proline 232 with serine.
Molecular consequence: missense variant.
Genome position (GRCh38, 1-based): chr1:53,461,589, C>T. VCF-style: chr1-53461589-C-T. GRCh37 (hg19) VCF-style: chr1-53927262-C-T.
Other names: short protein forms P232S.
Identifiers: ClinVar variation 2638825 (VCV002638825.24), dbSNP rs138758029, ClinGen allele CA860725.
Genomic context (GRCh38, chr1:53,461,589, plus strand): 5'-TCCAGCATGCACCCCTACTGCCCGTTCCCGCTGGGCTACCTGGACGCCCCTCCTGGCGTC[C>T]CCCTGCAGCAGGGCTTCCGGCATGTGTCCCGCAGCCAGTACCAAGGCGGAGGCTTGGTGA-3'
Protein context (NP_149056.1, residues 222-242): LGYLDAPPGV[Pro232Ser]LQQGFRHVSR

ClinVar aggregate classification (germline): Likely benign (1 of 4 stars; one submission).

Allele frequency attached by ClinVar (database versions not stated): 1000 Genomes Project 0.00359; 1000 Genomes Project 30x 0.00422; ExAC 0.00526; gnomAD 0.00527; TOPMed 0.00546; ESP Exome Variant Server 0.00607; gnomAD exomes 0.00871.

Submission:

CeGaT Center for Human Genetics Tuebingen
Classification: Likely benign. Last evaluated: 2022-12-01. Review status: criteria provided, single submitter. Criteria: CeGaT Center For Human Genetics Tuebingen Variant Classification Criteria Version 2. Collection method: clinical testing. Allele origin: germline. Affected: yes. Observed: 1 variant allele.
Comment: DMRTB1: BP4, BS2